The following is an entry in ClinVar:

ClinVar aggregate classification (germline): Benign/Likely benign. Review status: criteria provided, multiple submitters, no conflicts (2 of 4 stars). 11 submissions from 11 submitters: Benign (8); Likely benign (3). Last evaluated 2026-01-28.

Conditions:
Ehlers-Danlos syndrome, classic type, 1 (EDSCL1). Also called: Ehlers-Danlos syndrome, type 1; Ehlers-Danlos Syndrome, Classic Type, COL5A1-Related; EDS I; EHLERS-DANLOS SYNDROME, GRAVIS TYPE; EHLERS-DANLOS SYNDROME, SEVERE CLASSIC TYPE. Identifiers: MedGen C0268335, MONDO:0019567, OMIM 130000.
Ehlers-Danlos syndrome, classic type, 2 (EDSCL2). Also called: Ehlers-Danlos syndrome, type 2; Ehlers-Danlos syndrome type 2 (formerly); Ehlers-Danlos Syndrome, Classic Type, COL5A2-Related. Identifiers: Orphanet 287, Orphanet 90318, MedGen C0268336, MONDO:0019568, OMIM 130010.
Familial thoracic aortic aneurysm and aortic dissection (TAAD). Also called: Thoracic aortic aneurysms and dissections. Identifiers: Orphanet 91387, MedGen C4707243, MONDO:0019625.

Allele frequency attached by ClinVar (database versions not stated): 1000 Genomes Project 0.00160; 1000 Genomes Project 30x 0.00203; TOPMed 0.00303; ESP Exome Variant Server 0.00346.
gnomAD v4.1: 867 of 1,614,048 alleles (0.054%); highest among the groups gnomAD compares: African/African-American, 1%; 7 homozygotes.

Submissions (11):

Labcorp Genetics (formerly Invitae), Labcorp
Classification: Benign for Ehlers-Danlos syndrome, classic type, 1. Last evaluated: 2026-01-28. Review status: criteria provided, single submitter. Criteria: Invitae Variant Classification Sherloc (09022015). Collection method: clinical testing. Allele origin: germline.

Genomic Medicine Center of Excellence, King Faisal Specialist Hospital and Research Centre
Classification: Likely benign. Last evaluated: 2025-08-18. Review status: criteria provided, single submitter. Criteria: ACMG Guidelines, 2015. Collection method: clinical testing. Allele origin: germline.

Blueprint Genetics
Classification: Likely benign. Last evaluated: 2024-10-23. Review status: criteria provided, single submitter. Criteria: ACMG Guidelines, 2015. Collection method: clinical testing. Allele origin: germline.

CeGaT Center for Human Genetics Tuebingen
Classification: Benign. Last evaluated: 2024-05-01. Review status: criteria provided, single submitter. Criteria: CeGaT Center For Human Genetics Tuebingen Variant Classification Criteria Version 2. Collection method: clinical testing. Allele origin: germline. Affected: yes. Observed: 2 variant alleles.
Comment: COL5A2: BS1, BS2

Women's Health and Genetics/Laboratory Corporation of America, LabCorp
Classification: Likely benign. Last evaluated: 2023-08-11. Review status: criteria provided, single submitter. Criteria: LabCorp Variant Classification Summary - May 2015. Collection method: clinical testing. Allele origin: germline.

Mayo Clinic Laboratories, Mayo Clinic
Classification: Benign. Last evaluated: 2023-04-26. Review status: criteria provided, single submitter. Criteria: ACMG Guidelines, 2015. Collection method: clinical testing. Allele origin: germline. Observed: 6 variant alleles.
Comment: BS1, BS2, BP4

ARUP Laboratories, Molecular Genetics and Genomics, ARUP Laboratories
Classification: Benign for Ehlers-Danlos syndrome, classic type, 2. Last evaluated: 2020-12-16. Review status: criteria provided, single submitter. Criteria: ARUP Molecular Germline Variant Investigation Process 2021. Collection method: clinical testing. Allele origin: germline.

Ambry Genetics
Classification: Benign for Familial thoracic aortic aneurysm and aortic dissection. Last evaluated: 2015-09-10. Review status: criteria provided, single submitter. Criteria: Ambry Variant Classification Scheme 2023. Collection method: clinical testing. Allele origin: germline.

GeneDx
Classification: Benign. Last evaluated: 2013-06-28. Review status: criteria provided, single submitter. Criteria: GeneDx Variant Classification (06012015). Collection method: clinical testing. Allele origin: germline. Affected: yes.
Comment: This variant is considered likely benign or benign based on one or more of the following criteria: it is a conservative change, it occurs at a poorly conserved position in the protein, it is predicted to be benign by multiple in silico algorithms, and/or has population frequency not consistent with disease.

Breakthrough Genomics
Classification: Benign. Review status: criteria provided, single submitter. Criteria: ACMG Guidelines, 2015. Collection method: not provided. Allele origin: germline. Inheritance: Autosomal dominant inheritance. Affected: yes.

PreventionGenetics, part of Exact Sciences
Classification: Benign. Review status: criteria provided, single submitter. Criteria: ACMG Guidelines, 2015. Collection method: clinical testing. Allele origin: germline.

Literature cited by the submitters: PubMed 36011280 (cited by Mayo Clinic Laboratories, Mayo Clinic).

NM_000393.5(COL5A2):c.2867G>C (p.Arg956Pro)

Gene: COL5A2 (collagen type V alpha 2 chain; minus strand). Cytogenetic location: 2q32.2.
Variant type: single nucleotide variant.
Coding change: c.2867G>C on transcript NM_000393.5 (MANE Select); coding-DNA position 2867, G replaced by C.
Protein change: p.Arg956Pro; replaces arginine 956 with proline.
Molecular consequence: missense variant.
Genome position (GRCh38, 1-based): chr2:189,051,384, C>G on the plus strand (G>C on the coding strand, the complement: COL5A2 is on the minus strand). VCF-style: chr2-189051384-C-G. GRCh37 (hg19) VCF-style: chr2-189916110-C-G.
Other names: p.R956P:CGA>CCA; c.2867G>C (NM_000393.4); short protein forms R956P.
Identifiers: ClinVar variation 136948 (VCV000136948.51), dbSNP rs6434313, ClinGen allele CA290384.
Genomic context (GRCh38, chr2:189,051,384, plus strand): 5'-TGCCCATCTTCTCCTGGGTCCCCTTTGTCTCCTGGGCCACCAGGGGGGCCAGCTGGTCCT[C>G]GATCTCCCACACGCCCATGAGAGCCAGGGTCCCCACGAAGACCTGGAGGTCCCTCCTTCC-3'
Protein context (NP_000384.2, residues 946-966): DPGSHGRVGD[Arg956Pro]GPAGPPGGPG